The following is an entry in ClinVar:

NM_014905.5(GLS):c.1748A>G (p.Asp583Gly)

Gene: GLS (glutaminase; plus strand). Cytogenetic location: 2q32.2.
Variant type: single nucleotide variant.
Coding change: c.1748A>G on transcript NM_014905.5 (MANE Select); coding-DNA position 1748, A replaced by G.
Protein change: p.Asp583Gly; replaces aspartic acid 583 with glycine.
Molecular consequence: missense variant.
Genome position (GRCh38, 1-based): chr2:190,954,619, A>G. VCF-style: chr2-190954619-A-G. GRCh37 (hg19) VCF-style: chr2-191819345-A-G.
Other names: short protein forms D583G.
Identifiers: ClinVar variation 3372104 (VCV003372104.1).

ClinVar aggregate classification (germline): Uncertain significance (1 of 4 stars; one submission).

Submission:

GeneDx
Classification: Uncertain significance. Last evaluated: 2024-04-11. Review status: criteria provided, single submitter. Criteria: GeneDx Variant Classification Process June 2021. Collection method: clinical testing. Allele origin: germline. Affected: yes.
Comment: Not observed at significant frequency in large population cohorts (gnomAD); In silico analysis supports that this missense variant has a deleterious effect on protein structure/function; In silico analysis is inconclusive as to whether the variant alters gene splicing. In the absence of RNA/functional studies, the actual effect of this sequence change is unknown.; Has not been previously published as pathogenic or benign to our knowledge